The following is an entry in ClinVar:

ClinVar aggregate classification (germline): Uncertain significance (1 of 4 stars; one submission).

Conditions:
Rhabdoid tumor predisposition syndrome 2 (RTPS2). Identifiers: Orphanet 231108, Orphanet 69077, MedGen C2750074, MONDO:0013224, OMIM 613325.

Allele frequency attached by ClinVar (database versions not stated): TOPMed below 0.00001; gnomAD 0.00001.
gnomAD v4.1: 1 of 1,612,526 alleles (0.000062%); highest among the groups gnomAD compares: Non-Finnish European, 0.000085%; no homozygotes.

Submission:

Labcorp Genetics (formerly Invitae), Labcorp
Classification: Uncertain significance for Rhabdoid tumor predisposition syndrome 2. Last evaluated: 2021-12-05. Review status: criteria provided, single submitter. Criteria: Invitae Variant Classification Sherloc (09022015). Collection method: clinical testing. Allele origin: germline.
Comment: This sequence change replaces lysine, which is basic and polar, with asparagine, which is neutral and polar, at codon 1439 of the SMARCA4 protein (p.Lys1439Asn). This variant is not present in population databases (gnomAD no frequency). This variant has not been reported in the literature in individuals affected with SMARCA4-related conditions. Algorithms developed to predict the effect of missense changes on protein structure and function are either unavailable or do not agree on the potential impact of this missense change (SIFT: "Deleterious"; PolyPhen-2: "Benign"; Align-GVGD: "Class C65"). In summary, the available evidence is currently insufficient to determine the role of this variant in disease. Therefore, it has been classified as a Variant of Uncertain Significance.

NM_003072.5(SMARCA4):c.4221G>T (p.Lys1407Asn)

Gene: SMARCA4 (SWI/SNF related BAF chromatin remodeling complex subunit ATPase 4; plus strand). Cytogenetic location: 19p13.2.
Variant type: single nucleotide variant.
Coding change: c.4221G>T on transcript NM_003072.5 (MANE Select); coding-DNA position 4221, G replaced by T.
Protein change: p.Lys1407Asn; replaces lysine 1407 with asparagine.
Molecular consequence: missense variant. On other transcripts: non-coding transcript variant (1).
Genome position (GRCh38, 1-based): chr19:11,041,357, G>T. VCF-style: chr19-11041357-G-T. GRCh37 (hg19) VCF-style: chr19-11152033-G-T.
Other names: c.4221G>T, p.Lys1407Asn (NM_001128844.3); c.4131G>T, p.Lys1377Asn (NM_001128845.2, NM_001128846.2); c.4122G>T, p.Lys1374Asn (NM_001128847.4, NM_001128848.2, NM_001374457.1); c.4317G>T, p.Lys1439Asn (NM_001128849.3, NM_001387283.1); short protein forms K1377N, K1407N, K1439N, K1374N.
Identifiers: ClinVar variation 1377418 (VCV001377418.6), dbSNP rs1384070535, ClinGen allele CA404072978.